The following is an entry in ClinVar:

NM_182961.4(SYNE1):c.4975_4976+8del

Gene: SYNE1 (spectrin repeat containing nuclear envelope protein 1; minus strand). Cytogenetic location: 6q25.2.
Variant type: Deletion.
Coding change: c.4975_4976+8del on transcript NM_182961.4 (MANE Select); coding-DNA position 4975 through 8 bases into the intron after coding-DNA position 4976, 10 bases deleted (AGGTGAGCAG; older notation c.4975_4976+8delAGGTGAGCAG).
Molecular consequence: splice donor variant.
Genome position (GRCh38, 1-based): chr6:152,428,197-152,428,206, CTGCTCACCT deleted on the plus strand (AGGTGAGCAG on the coding strand, the reverse complement: SYNE1 is on the minus strand); deleting any 10 consecutive bases within chr6:152,428,197-152,428,210 gives the same sequence; the c. name uses the placement nearest the transcript's 3' end. VCF-style (leftmost placement, unchanged base first): chr6-152428196-GCTGCTCACCT-G. GRCh37 (hg19) VCF-style: chr6-152749331-GCTGCTCACCT-G.
Other names: c.4996_4997+8delAGGTGAGCAG (NM_033071.3); c.4996_4997+8del (NM_033071.5).
Identifiers: ClinVar variation 655334 (VCV000655334.8), dbSNP rs1592490234, ClinGen allele CA915944512.
Genomic context (GRCh38, chr6:152,428,196, plus strand): 5'-ACTTTAAGAACTGCTAATCCAGAATTTCCTATTTAGTAGTGCAGCAACTCAAGGAAAAGT[GCTGCTCACCT>G]CTGCCAGTGGGCCAGCAGATTCTCCAGCGCCGTCTGTCTCTCCTTCGCCCTCCTTAGGAT-3'

ClinVar aggregate classification (germline): Pathogenic (1 of 4 stars; one submission).

Conditions:
Emery-Dreifuss muscular dystrophy 4, autosomal dominant (EDMD4). Also called: EMERY-DREIFUSS MUSCULAR DYSTROPHY 4 WITH VARIABLE FEATURES. Identifiers: Orphanet 261, MedGen C2751807, MONDO:0013071, OMIM 612998.
Autosomal recessive ataxia, Beauce type. Also called: Spinocerebellar ataxia, autosomal recessive 8; ATAXIA, RECESSIVE, OF BEAUCE; SYNE1-Related Autosomal Recessive Cerebellar Ataxia; SYNE1 Deficiency. Identifiers: Orphanet 88644, MedGen C1853116, MONDO:0012549, OMIM 610743.

Submission:

Labcorp Genetics (formerly Invitae), Labcorp
Classification: Pathogenic for Emery-Dreifuss muscular dystrophy 4, autosomal dominant; Autosomal recessive ataxia, Beauce type. Last evaluated: 2022-06-04. Review status: criteria provided, single submitter. Criteria: Invitae Variant Classification Sherloc (09022015). Collection method: clinical testing. Allele origin: germline.
Comment: ClinVar contains an entry for this variant (Variation ID: 655334). This variant has not been reported in the literature in individuals affected with SYNE1-related conditions. This variant is not present in population databases (gnomAD no frequency). This variant results in the deletion of c.4996_4997+8del of the SYNE1 gene. It is expected to disrupt RNA splicing. Variants that disrupt the donor or acceptor splice site typically lead to a loss of protein function (PMID: 16199547), and loss-of-function variants in SYNE1 are known to be pathogenic (PMID: 19542096, 24319099, 27086870). Algorithms developed to predict the effect of sequence changes on RNA splicing suggest that this variant may disrupt the consensus splice site. For these reasons, this variant has been classified as Pathogenic.

Literature cited by the submitters: PubMed 16199547; PubMed 19542096; PubMed 24319099; PubMed 27086870.